The following is an entry in ClinVar:

ClinVar aggregate classification (germline): Uncertain significance. Review status: criteria provided, multiple submitters, no conflicts (2 of 4 stars). 2 submissions from 2 submitters: Uncertain significance (2). Last evaluated 2025-02-17.

Conditions:
Hereditary cancer-predisposing syndrome. Also called: Hereditary neoplastic syndrome; Neoplastic Syndromes, Hereditary; Tumor predisposition; Hereditary Cancer Syndrome. Identifiers: Orphanet 140162, MedGen C0027672, MeSH D009386, MONDO:0015356.
Fanconi anemia complementation group O. Also called: RAD51C-Related Fanconi Anemia. Identifiers: Orphanet 84, MedGen C3150653, MONDO:0013248, OMIM 613390.

Submissions (2):

Ambry Genetics
Classification: Uncertain significance for Hereditary cancer-predisposing syndrome. Last evaluated: 2025-02-17. Review status: criteria provided, single submitter. Criteria: Ambry Variant Classification Scheme 2023. Collection method: clinical testing. Allele origin: germline.
Comment: The p.T174I variant (also known as c.521C>T), located in coding exon 3 of the RAD51C gene, results from a C to T substitution at nucleotide position 521. The threonine at codon 174 is replaced by isoleucine, an amino acid with similar properties. This amino acid position is conserved. In addition, this alteration is predicted to be tolerated by in silico analysis. Based on the available evidence, the clinical significance of this variant remains unclear.

Labcorp Genetics (formerly Invitae), Labcorp
Classification: Uncertain significance for Fanconi anemia complementation group O. Last evaluated: 2024-10-24. Review status: criteria provided, single submitter. Criteria: Invitae Variant Classification Sherloc (09022015). Collection method: clinical testing. Allele origin: germline.
Comment: This sequence change replaces threonine, which is neutral and polar, with isoleucine, which is neutral and non-polar, at codon 174 of the RAD51C protein (p.Thr174Ile). This variant is not present in population databases (gnomAD no frequency). This variant has not been reported in the literature in individuals affected with RAD51C-related conditions. ClinVar contains an entry for this variant (Variation ID: 1006962). Invitae Evidence Modeling of protein sequence and biophysical properties (such as structural, functional, and spatial information, amino acid conservation, physicochemical variation, residue mobility, and thermodynamic stability) indicates that this missense variant is not expected to disrupt RAD51C protein function with a negative predictive value of 80%. In summary, the available evidence is currently insufficient to determine the role of this variant in disease. Therefore, it has been classified as a Variant of Uncertain Significance.

NM_058216.3(RAD51C):c.521C>T (p.Thr174Ile)

Gene: RAD51C (RAD51 paralog C; plus strand). Cytogenetic location: 17q22.
Variant type: single nucleotide variant.
Coding change: c.521C>T on transcript NM_058216.3 (MANE Select); coding-DNA position 521, C replaced by T.
Protein change: p.Thr174Ile; replaces threonine 174 with isoleucine.
Molecular consequence: missense variant.
Genome position (GRCh38, 1-based): chr17:58,696,809, C>T. VCF-style: chr17-58696809-C-T. GRCh37 (hg19) VCF-style: chr17-56774170-C-T.
Other names: c.521C>T (NM_058216.1); short protein forms T174I.
Identifiers: ClinVar variation 1006962 (VCV001006962.10), dbSNP rs2048031047, ClinGen allele CA400345121.
Genomic context (GRCh38, chr17:58,696,809, plus strand): 5'-AAGCAGTTTTTATTGATACAGAGGGAAGTTTTATGGTTGATAGAGTGGTAGACCTTGCTA[C>T]TGCCTGCATTCAGCACCTTCAGCTTATAGCAGAAAAACACAAGGGAGAGGGTAAGTTAGT-3'
Protein context (NP_478123.1, residues 164-184): FMVDRVVDLA[Thr174Ile]ACIQHLQLIA